The following is an entry in ClinVar:

ClinVar aggregate classification (germline): Uncertain significance (1 of 4 stars; one submission).

Conditions:
Episodic ataxia type 2 (EA2). Also called: ATAXIA, EPISODIC, WITH NYSTAGMUS; ATAXIA, FAMILIAL PAROXYSMAL; ACETAZOLAMIDE-RESPONSIVE HEREDITARY PAROXYSMAL CEREBELLAR ATAXIA; CEREBELLAR ATAXIA, PAROXYSMAL, ACETAZOLAMIDE-RESPONSIVE; CEREBELLOPATHY, HEREDITARY PAROXYSMAL; EPISODIC ATAXIA, NYSTAGMUS-ASSOCIATED. Identifiers: Orphanet 97, MedGen C1720416, MONDO:0007163, OMIM 108500.
Developmental and epileptic encephalopathy, 42 (DEE42A). Also called: Epileptic encephalopathy, early infantile, 42; DEVELOPMENTAL AND EPILEPTIC ENCEPHALOPATHY 42A; EPILEPTIC ENCEPHALOPATHY, EARLY INFANTILE, 42A. Identifiers: MedGen C4310716, MONDO:0014917, OMIM 617106.

Submission:

Labcorp Genetics (formerly Invitae), Labcorp
Classification: Uncertain significance for Developmental and epileptic encephalopathy, 42; Episodic ataxia type 2. Last evaluated: 2024-09-21. Review status: criteria provided, single submitter. Criteria: Invitae Variant Classification Sherloc (09022015). Collection method: clinical testing. Allele origin: germline.
Comment: This sequence change falls in intron 24 of the CACNA1A gene. It does not directly change the encoded amino acid sequence of the CACNA1A protein. This variant is present in population databases (rs760643480, gnomAD 0.002%). This variant has not been reported in the literature in individuals affected with CACNA1A-related conditions. Experimental studies and prediction algorithms are not available or were not evaluated, and the effect of this variant on mRNA splicing is currently unknown. In summary, the available evidence is currently insufficient to determine the role of this variant in disease. Therefore, it has been classified as a Variant of Uncertain Significance.

NM_001127222.2(CACNA1A):c.3990-22_3990-8del

Gene: CACNA1A (calcium voltage-gated channel subunit alpha1 A; minus strand). Cytogenetic location: 19p13.13.
Variant type: Deletion.
Coding change: c.3990-22_3990-8del on transcript NM_001127222.2 (MANE Select); 22 bases into the intron before coding-DNA position 3990 through 8 bases into the intron before coding-DNA position 3990, 15 bases deleted (CCACCTAAACATTCC).
Molecular consequence: intron variant.
Genome position (GRCh38, 1-based): chr19:13,262,841-13,262,855, GGAATGTTTAGGTGG deleted on the plus strand (CCACCTAAACATTCC on the coding strand, the reverse complement: CACNA1A is on the minus strand); deleting any 15 consecutive bases within chr19:13,262,841-13,262,856 gives the same sequence; the c. name uses the placement nearest the transcript's 3' end. VCF-style (leftmost placement, unchanged base first): chr19-13262840-AGGAATGTTTAGGTGG-A. GRCh37 (hg19) VCF-style: chr19-13373654-AGGAATGTTTAGGTGG-A.
Other names: c.3993-22_3993-8del (NM_001127221.2, NM_001174080.2); c.4002-22_4002-8del (NM_000068.4, NM_023035.3).
Identifiers: ClinVar variation 3759181 (VCV003759181.2).